The following is an entry in ClinVar:

ClinVar aggregate classification (germline): Uncertain significance (1 of 4 stars; one submission).

Conditions:
SPTBN2-related disorder. Also called: SPTBN2-related condition.

Submission:

PreventionGenetics, part of Exact Sciences
Classification: Uncertain significance for SPTBN2-related condition. Last evaluated: 2023-06-05. Review status: criteria provided, single submitter. Criteria: ACMG Guidelines, 2015. Collection method: clinical testing. Allele origin: germline.
Comment: The SPTBN2 c.1726G>A variant is predicted to result in the amino acid substitution p.Val576Met. To our knowledge, this variant has not been reported in the literature or in a large population database, indicating this variant is rare. At this time, the clinical significance of this variant is uncertain due to the absence of conclusive functional and genetic evidence.

NM_006946.4(SPTBN2):c.1726G>A (p.Val576Met)

Gene: SPTBN2 (spectrin beta, non-erythrocytic 2; minus strand). Cytogenetic location: 11q13.2.
Variant type: single nucleotide variant.
Coding change: c.1726G>A on transcript NM_006946.4 (MANE Select); coding-DNA position 1726, G replaced by A.
Protein change: p.Val576Met; replaces valine 576 with methionine.
Molecular consequence: missense variant.
Genome position (GRCh38, 1-based): chr11:66,705,765, C>T on the plus strand (G>A on the coding strand, the complement: SPTBN2 is on the minus strand). VCF-style: chr11-66705765-C-T. GRCh37 (hg19) VCF-style: chr11-66473236-C-T.
Other names: c.1747G>A, p.Val583Met (NM_001411025.1); short protein forms V576M, V583M.
Identifiers: ClinVar variation 2632361 (VCV002632361.1), dbSNP rs2496311388, ClinGen allele CA381479963.